The following is an entry in ClinVar:

NM_014846.4(WASHC5):c.2090TCA[1] (p.Ile698del)

Gene: WASHC5 (WASH complex subunit 5; minus strand). Cytogenetic location: 8q24.13.
Variant type: Microsatellite.
Coding change: c.2090TCA[1] on transcript NM_014846.4 (MANE Select); one copy of the 3-base unit TCA starting at c.2090; the reference has two copies in a row; one copy, 3 bases deleted.
Protein change: p.Ile698del; deletes isoleucine 698.
Molecular consequence: inframe deletion.
Genome position (GRCh38, 1-based): chr8:125,055,593-125,055,595, TGA deleted on the plus strand (TCA on the coding strand, the reverse complement: WASHC5 is on the minus strand); deleting any 3 consecutive bases within chr8:125,055,593-125,055,600 gives the same sequence; the position shown is the placement nearest the transcript's 3' end. VCF-style (leftmost placement, unchanged base first): chr8-125055592-TTGA-T. GRCh37 (hg19) VCF-style: chr8-126067834-TTGA-T.
Other names: c.1646TCA[1], p.Ile550del (NM_001330609.2); short protein forms I698del, I550del.
Identifiers: ClinVar variation 531992 (VCV000531992.11), dbSNP rs1554593551, ClinGen allele CA658797148.

ClinVar aggregate classification (germline): Uncertain significance. Review status: criteria provided, multiple submitters, no conflicts (2 of 4 stars). 2 submissions from 2 submitters: Uncertain significance (2). Last evaluated 2026-06-12.

Conditions:
WASHC5-related disorder. Also called: WASHC5-related condition.
Ritscher-Schinzel syndrome. Also called: CRANIOCEREBELLOCARDIAC DYSPLASIA. Identifiers: Orphanet 7, MedGen C0796137, MONDO:0019078.
Hereditary spastic paraplegia 8 (SPG8). Also called: SPASTIC PARAPLEGIA 8, AUTOSOMAL DOMINANT. Identifiers: Orphanet 100989, MedGen C1863704, MONDO:0011339, OMIM 603563.

Submissions (2):

PreventionGenetics, part of Exact Sciences
Classification: Uncertain significance for WASHC5-related condition. Last evaluated: 2026-06-12. Review status: criteria provided, single submitter. Criteria: ACMG Guidelines, 2015. Collection method: clinical testing. Allele origin: germline.
Comment: The WASHC5 c.2093_2095delTCA variant is predicted to result in an in-frame deletion (p.Ile698del). To our knowledge, this variant has not been reported in the literature or in a large population database (gnomAD), indicating this variant is rare. At this time, the clinical significance of this variant is uncertain due to the absence of conclusive functional and genetic evidence.

Labcorp Genetics (formerly Invitae), Labcorp
Classification: Uncertain significance for Ritscher-Schinzel syndrome; Hereditary spastic paraplegia 8. Last evaluated: 2022-06-13. Review status: criteria provided, single submitter. Criteria: Invitae Variant Classification Sherloc (09022015). Collection method: clinical testing. Allele origin: germline.
Comment: In summary, the available evidence is currently insufficient to determine the role of this variant in disease. Therefore, it has been classified as a Variant of Uncertain Significance. Experimental studies and prediction algorithms are not available or were not evaluated, and the functional significance of this variant is currently unknown. ClinVar contains an entry for this variant (Variation ID: 531992). This variant has not been reported in the literature in individuals affected with WASHC5-related conditions. This variant is not present in population databases (gnomAD no frequency). This variant, c.2093_2095del, results in the deletion of 1 amino acid(s) of the WASHC5 protein (p.Ile698del), but otherwise preserves the integrity of the reading frame.